The following is an entry in ClinVar:

ClinVar aggregate classification (germline): Uncertain significance (1 of 4 stars; one submission).

Allele frequency attached by ClinVar (database versions not stated): ExAC 0.00002; gnomAD 0.00002; gnomAD exomes 0.00002 and 0.00003; TOPMed 0.00002.
gnomAD v4.1: 36 of 1,490,778 alleles (0.0024%); highest among the groups gnomAD compares: Non-Finnish European, 0.0029%; no homozygotes.

Submission:

Labcorp Genetics (formerly Invitae), Labcorp
Classification: Uncertain significance. Last evaluated: 2022-08-17. Review status: criteria provided, single submitter. Criteria: Invitae Variant Classification Sherloc (09022015). Collection method: clinical testing. Allele origin: germline.
Comment: In summary, the available evidence is currently insufficient to determine the role of this variant in disease. Therefore, it has been classified as a Variant of Uncertain Significance. Algorithms developed to predict the effect of missense changes on protein structure and function are either unavailable or do not agree on the potential impact of this missense change (SIFT: "Deleterious"; PolyPhen-2: "Probably Damaging"; Align-GVGD: "Class C0"). ClinVar contains an entry for this variant (Variation ID: 1018354). This variant has not been reported in the literature in individuals affected with PEX11B-related conditions. This variant is present in population databases (rs782292493, gnomAD 0.006%). This sequence change replaces arginine, which is basic and polar, with cysteine, which is neutral and slightly polar, at codon 137 of the PEX11B protein (p.Arg137Cys).

NM_003846.3(PEX11B):c.409C>T (p.Arg137Cys)

Gene: PEX11B (peroxisomal biogenesis factor 11 beta; minus strand). Cytogenetic location: 1q21.1.
Variant type: single nucleotide variant.
Coding change: c.409C>T on transcript NM_003846.3 (MANE Select); coding-DNA position 409, C replaced by T.
Protein change: p.Arg137Cys; replaces arginine 137 with cysteine.
Molecular consequence: missense variant. On other transcripts: non-coding transcript variant (3).
Genome position (GRCh38, 1-based): chr1:145,912,532, G>A on the plus strand (C>T on the coding strand, the complement: PEX11B is on the minus strand). VCF-style: chr1-145912532-G-A. GRCh37 (hg19) VCF-style: chr1-145522548-C-T.
Other names: c.367C>T, p.Arg123Cys (NM_001184795.1); short protein forms R123C, R137C.
Identifiers: ClinVar variation 1018354 (VCV001018354.6), dbSNP rs782292493, ClinGen allele CA1055596.